The following is an entry in ClinVar:

NM_015272.5(RPGRIP1L):c.1355A>G (p.Asn452Ser)

Gene: RPGRIP1L (RPGRIP1 like; minus strand). Cytogenetic location: 16q12.2.
Variant type: single nucleotide variant.
Coding change: c.1355A>G on transcript NM_015272.5 (MANE Select); coding-DNA position 1355, A replaced by G.
Protein change: p.Asn452Ser; replaces asparagine 452 with serine.
Molecular consequence: missense variant.
Genome position (GRCh38, 1-based): chr16:53,658,460, T>C on the plus strand (A>G on the coding strand, the complement: RPGRIP1L is on the minus strand). VCF-style: chr16-53658460-T-C. GRCh37 (hg19) VCF-style: chr16-53692372-T-C.
Other names: c.1355A>G, p.Asn452Ser (NM_001127897.4, NM_001308334.3, NM_001330538.2); short protein forms N452S.
Identifiers: ClinVar variation 3351665 (VCV003351665.1).

ClinVar aggregate classification (germline): Uncertain significance (0 of 4 stars; one submission).

Conditions:
RPGRIP1L-related disorder. Also called: RPGRIP1L-related condition; RPGRIP1L-related disorders. Identifiers: MedGen CN239416.

gnomAD v4.1: 2 of 1,607,464 alleles (0.00012%); highest among the groups gnomAD compares: African/African-American, 0.0013%; no homozygotes.

Submission:

PreventionGenetics, part of Exact Sciences
Classification: Uncertain significance for RPGRIP1L-related condition. Last evaluated: 2024-06-07. Review status: no assertion criteria provided. Collection method: clinical testing. Allele origin: germline.
Comment: The RPGRIP1L c.1355A>G variant is predicted to result in the amino acid substitution p.Asn452Ser. To our knowledge, this variant has not been reported in the literature or in a large population database, indicating this variant is rare. At this time, the clinical significance of this variant is uncertain due to the absence of conclusive functional and genetic evidence.